The following is an entry in ClinVar:

ClinVar aggregate classification (germline): Likely benign. Review status: criteria provided, single submitter (1 of 4 stars). 2 submissions from 2 submitters: Likely benign (1). 1 of the submissions does not count toward it. Last evaluated 2024-08-21.

Conditions:
ACAN-related disorder. Also called: ACAN-related disorders; ACAN-related condition.

Allele frequency attached by ClinVar (database versions not stated): gnomAD exomes 0.00001; TOPMed 0.00002; ExAC 0.00003; gnomAD 0.00003.

Submissions (2):

Labcorp Genetics (formerly Invitae), Labcorp
Classification: Likely benign. Last evaluated: 2024-08-21. Review status: criteria provided, single submitter. Criteria: Invitae Variant Classification Sherloc (09022015). Collection method: clinical testing. Allele origin: germline.

PreventionGenetics, part of Exact Sciences
Classification: Likely benign for ACAN-related condition. Last evaluated: 2019-05-23. Review status: no assertion criteria provided. Collection method: clinical testing. Allele origin: germline. Not counted in ClinVar's aggregate classification.
Comment: This variant is classified as likely benign based on ACMG/AMP sequence variant interpretation guidelines (Richards et al. 2015 PMID: 25741868, with internal and published modifications).

NM_001369268.1(ACAN):c.2262G>A (p.Leu754=)

Gene: ACAN (aggrecan; plus strand). Cytogenetic location: 15q26.1.
Variant type: single nucleotide variant.
Coding change: c.2262G>A on transcript NM_001369268.1 (MANE Select); coding-DNA position 2262, G replaced by A.
Protein change: p.Leu754=; no amino-acid change (leucine 754 retained).
Molecular consequence: synonymous variant.
Genome position (GRCh38, 1-based): chr15:88,852,029, G>A. VCF-style: chr15-88852029-G-A. GRCh37 (hg19) VCF-style: chr15-89395260-G-A.
Other names: c.2262G>A, p.Leu754= (NM_001135.4, NM_001411096.1, NM_001411097.1 and 1 more transcripts).
Identifiers: ClinVar variation 3038999 (VCV003038999.4), dbSNP rs748260469, ClinGen allele CA7719831.
Genomic context (GRCh38, chr15:88,852,029, plus strand): 5'-CGAGCCAGAAAACCAGACAGAATGGGAACCAGCCTATACCCCAGTGGGCACATCCCCGCT[G>A]CCAGGTTGGTATGGCTTGGGTTCTGGGGCACACCCTGAAGCTGCATACCCCTGTCTTCCT-3'
Protein context (NP_001356197.1, residues 744-764): PAYTPVGTSP[Leu754=]PGILPTWPPT